The following is an entry in ClinVar:

ClinVar aggregate classification (germline): Uncertain significance (1 of 4 stars; one submission).

Submission:

Labcorp Genetics (formerly Invitae), Labcorp
Classification: Uncertain significance. Last evaluated: 2020-05-14. Review status: criteria provided, single submitter. Criteria: Invitae Variant Classification Sherloc (09022015). Collection method: clinical testing. Allele origin: germline.
Comment: This sequence change falls in intron 3 of the PACS2 gene. It does not directly change the encoded amino acid sequence of the PACS2 protein, but it affects a nucleotide within the consensus splice site of the intron. In summary, the available evidence is currently insufficient to determine the role of this variant in disease. Therefore, it has been classified as a Variant of Uncertain Significance. Nucleotide substitutions within the consensus splice site are a relatively common cause of aberrant splicing (PMID: 17576681, 9536098). Algorithms developed to predict the effect of sequence changes on RNA splicing suggest that this variant may disrupt the consensus splice site, but this prediction has not been confirmed by published transcriptional studies. This variant has not been reported in the literature in individuals with PACS2-related conditions. This variant is not present in population databases (ExAC no frequency).

Literature cited by the submitters: PubMed 17576681; PubMed 9536098.

NM_001100913.3(PACS2):c.297+3G>C

Gene: PACS2 (phosphofurin acidic cluster sorting protein 2; plus strand). Cytogenetic location: 14q32.33.
Variant type: single nucleotide variant.
Coding change: c.297+3G>C on transcript NM_001100913.3 (MANE Select); 3 bases into the intron after coding-DNA position 297, G replaced by C.
Molecular consequence: intron variant.
Genome position (GRCh38, 1-based): chr14:105,352,470, G>C. VCF-style: chr14-105352470-G-C. GRCh37 (hg19) VCF-style: chr14-105818807-G-C.
Other names: c.96+3G>C (NM_001243127.3); c.297+3G>C (NM_015197.4).
Identifiers: ClinVar variation 1060878 (VCV001060878.7), dbSNP rs2141027575, ClinGen allele CA2499222554.